The following is an entry in ClinVar:

ClinVar aggregate classification (germline): Conflicting classifications of pathogenicity. Review status: criteria provided, conflicting classifications (1 of 4 stars). 2 submissions from 2 submitters: Uncertain significance (1); Likely benign (1). Last evaluated 2024-12-16.

Allele frequency attached by ClinVar (database versions not stated): gnomAD 0.00027; TOPMed 0.00034; ESP Exome Variant Server 0.00038; ExAC 0.00046; gnomAD exomes 0.00047 and 0.00057.

Submissions (2):

Labcorp Genetics (formerly Invitae), Labcorp
Classification: Uncertain significance. Last evaluated: 2024-12-16. Review status: criteria provided, single submitter. Criteria: Invitae Variant Classification Sherloc (09022015). Collection method: clinical testing. Allele origin: germline.
Comment: This sequence change replaces arginine, which is basic and polar, with histidine, which is basic and polar, at codon 238 of the AGBL5 protein (p.Arg238His). This variant is present in population databases (rs200002074, gnomAD 0.09%), and has an allele count higher than expected for a pathogenic variant. This variant has not been reported in the literature in individuals affected with AGBL5-related conditions. ClinVar contains an entry for this variant (Variation ID: 837465). An algorithm developed to predict the effect of missense changes on protein structure and function outputs the following: PolyPhen-2: "Benign". The histidine amino acid residue is found in multiple mammalian species, which suggests that this missense change does not adversely affect protein function. In summary, the available evidence is currently insufficient to determine the role of this variant in disease. Therefore, it has been classified as a Variant of Uncertain Significance.

Blueprint Genetics
Classification: Likely benign. Last evaluated: 2024-11-22. Review status: criteria provided, single submitter. Criteria: ACMG Guidelines, 2015. Collection method: clinical testing. Allele origin: germline.

NM_021831.6(AGBL5):c.713G>A (p.Arg238His)

Gene: AGBL5 (AGBL carboxypeptidase 5; plus strand). Cytogenetic location: 2p23.3.
Variant type: single nucleotide variant.
Coding change: c.713G>A on transcript NM_021831.6 (MANE Select); coding-DNA position 713, G replaced by A.
Protein change: p.Arg238His; replaces arginine 238 with histidine.
Molecular consequence: missense variant. On other transcripts: non-coding transcript variant (2).
Genome position (GRCh38, 1-based): chr2:27,054,791, G>A. VCF-style: chr2-27054791-G-A. GRCh37 (hg19) VCF-style: chr2-27277659-G-A.
Other names: c.713G>A, p.Arg238His (NM_001035507.3); short protein forms R238H.
Identifiers: ClinVar variation 837465 (VCV000837465.7), dbSNP rs200002074, ClinGen allele CA1567704.